The following is an entry in ClinVar:

ClinVar aggregate classification (germline): Pathogenic. Review status: reviewed by expert panel (3 of 4 stars). 2 submissions from 2 submitters: Pathogenic (1). 1 of the submissions does not count toward it. Last evaluated 2016-09-08.

Conditions:
Breast-ovarian cancer, familial, susceptibility to, 1 (BROVCA1). Also called: BRCA1 Hereditary Breast and Ovarian Cancer; OVARIAN CANCER, SUSCEPTIBILITY TO. Identifiers: Orphanet 145, MedGen C2676676, MONDO:0011450, OMIM 604370. Disease mechanism: loss of function.

Submissions (2):

Evidence-based Network for the Interpretation of Germline Mutant Alleles (ENIGMA)
Classification: Pathogenic for Breast-ovarian cancer, familial, susceptibility to, 1. Last evaluated: 2016-09-08. Review status: reviewed by expert panel. Criteria: ENIGMA BRCA1/2 Classification Criteria (2015). Collection method: curation. Allele origin: germline.
Comment: Variant allele predicted to encode a truncated non-functional protein.

Breast Cancer Information Core (BIC) (BRCA1)
Classification: Uncertain significance for Breast-ovarian cancer, familial 1. Last evaluated: 2010-05-03. Review status: no assertion criteria provided. Collection method: clinical testing. Allele origin: unknown. Affected: yes. Observed: 1 variant allele. Not counted in ClinVar's aggregate classification.

NM_007294.4(BRCA1):c.243del (p.Gln81fs)

Gene: BRCA1 (BRCA1 DNA repair associated; minus strand). Cytogenetic location: 17q21.31.
Variant type: Deletion.
Coding change: c.243del on transcript NM_007294.4 (MANE Select); coding-DNA position 243, one base deleted (A; older notation c.243delA).
Protein change: p.Gln81fs; shifts the reading frame from glutamine 81.
Molecular consequence: frameshift variant. On other transcripts: non-coding transcript variant (1).
Genome position (GRCh38, 1-based): chr17:43,104,926, T deleted on the plus strand (A on the coding strand, the reverse complement: BRCA1 is on the minus strand); the first of 2 consecutive T bases (chr17:43,104,926-43,104,927); deleting either gives the same sequence. VCF-style (leftmost placement, unchanged base first): chr17-43104925-GT-G. GRCh37 (hg19) VCF-style: chr17-41256942-GT-G.
Other names: 362delA; c.243delA (NM_007294.3); c.32delA, p.Gln11Hisfs (NM_001407571.1, NM_001407853.1, NM_001407879.1 and 58 more transcripts); c.242delA, p.Gln81Hisfs (NM_001407581.1, NM_001407582.1, NM_001407583.1 and 166 more transcripts); c.164delA, p.Gln55Hisfs (NM_001407653.1, NM_001407654.1, NM_001407655.1 and 21 more transcripts); c.101delA, p.Gln34Hisfs (NM_001407692.1, NM_001407694.1, NM_001407695.1 and 98 more transcripts); c.-140delA (NM_001407959.1, NM_001407960.1, NM_001407962.1 and 4 more transcripts); c.110delA, p.Gln37Hisfs (NM_001408451.1); and 2 more; short protein forms Q81fs, Q34fs.
Identifiers: ClinVar variation 125634 (VCV000125634.4), dbSNP rs273899684, ClinGen allele CA001628.